The following is an entry in ClinVar:

NM_004341.5(CAD):c.5392C>A (p.Gln1798Lys)

Gene: CAD (carbamoyl-phosphate synthetase 2, aspartate transcarbamylase, and dihydroorotase; plus strand). Cytogenetic location: 2p23.3.
Variant type: single nucleotide variant.
Coding change: c.5392C>A on transcript NM_004341.5 (MANE Select); coding-DNA position 5392, C replaced by A.
Protein change: p.Gln1798Lys; replaces glutamine 1798 with lysine.
Molecular consequence: missense variant.
Genome position (GRCh38, 1-based): chr2:27,239,469, C>A. VCF-style: chr2-27239469-C-A. GRCh37 (hg19) VCF-style: chr2-27462337-C-A.
Other names: c.5203C>A, p.Gln1735Lys (NM_001306079.2); short protein forms Q1798K, Q1735K.
Identifiers: ClinVar variation 430308 (VCV000430308.53), dbSNP rs138840581, ClinGen allele CA1573833.
Genomic context (GRCh38, chr2:27,239,469, plus strand): 5'-AAAGTGAAGGGCACCGTCCGCCGTGTGGTCCTGCGAGGGGAGGTTGCCTATATCGATGGG[C>A]AGGTACGCAAGTAGCCCCTGCCTGATCTCAGTAGTGCCCTCTTCTGCACCACGTTCATTT-3'
Protein context (NP_004332.2, residues 1788-1808): LRGEVAYIDG[Gln1798Lys]VLVPPGYGQD

ClinVar aggregate classification (germline): Uncertain significance. Review status: criteria provided, multiple submitters, no conflicts (2 of 4 stars). 6 submissions from 6 submitters: Uncertain significance (6). Last evaluated 2025-09-30.

Conditions:
Developmental and epileptic encephalopathy, 50 (DEE50). Also called: Epileptic encephalopathy, early infantile, 50. Identifiers: Orphanet 448010, MedGen C4225320, MONDO:0014647, OMIM 616457.

Allele frequency attached by ClinVar (database versions not stated): 1000 Genomes Project 30x 0.00031; 1000 Genomes Project 0.00040; gnomAD exomes 0.00051 and 0.00079; ExAC 0.00055; gnomAD 0.00062 and 0.00064; TOPMed 0.00068; ESP Exome Variant Server 0.00085.
gnomAD v4.1: 1,245 of 1,613,372 alleles (0.077%); highest among the groups gnomAD compares: Middle Eastern, 0.28%; no homozygotes.

Submissions (6):

GeneDx
Classification: Uncertain significance. Last evaluated: 2025-09-30. Review status: criteria provided, single submitter. Criteria: GeneDx Variant Classification Process June 2021. Collection method: clinical testing. Allele origin: germline. Affected: yes.
Comment: In silico analysis suggests that this missense variant does not alter protein structure/function; Has not been previously published as pathogenic or benign to our knowledge

Labcorp Genetics (formerly Invitae), Labcorp
Classification: Uncertain significance. Last evaluated: 2022-11-01. Review status: criteria provided, single submitter. Criteria: Invitae Variant Classification Sherloc (09022015). Collection method: clinical testing. Allele origin: germline.
Comment: This sequence change replaces glutamine, which is neutral and polar, with lysine, which is basic and polar, at codon 1798 of the CAD protein (p.Gln1798Lys). This variant is present in population databases (rs138840581, gnomAD 0.09%), and has an allele count higher than expected for a pathogenic variant. This variant has not been reported in the literature in individuals affected with CAD-related conditions. ClinVar contains an entry for this variant (Variation ID: 430308). Algorithms developed to predict the effect of missense changes on protein structure and function (SIFT, PolyPhen-2, Align-GVGD) all suggest that this variant is likely to be tolerated. In summary, the available evidence is currently insufficient to determine the role of this variant in disease. Therefore, it has been classified as a Variant of Uncertain Significance.

Baylor Genetics
Classification: Uncertain significance for Developmental and epileptic encephalopathy, 50. Last evaluated: 2022-05-10. Review status: criteria provided, single submitter. Criteria: ACMG Guidelines, 2015. Collection method: clinical testing. Allele origin: unknown.

Victorian Clinical Genetics Services, Murdoch Childrens Research Institute
Classification: Uncertain significance for Developmental and epileptic encephalopathy, 50. Last evaluated: 2020-05-21. Review status: criteria provided, single submitter. Criteria: ACMG Guidelines, 2015. Collection method: clinical testing. Allele origin: germline. Inheritance: Autosomal recessive inheritance. Affected: yes.
Comment: A heterozygous missense variant was identified, NM_004341.4(CAD):c.5392C>A in exon 33 of 44 of the CAD gene. This substitution is predicted to create a minor amino acid change from a glutamine to a lysine at position 1798 of the protein, NP_004332.2(CAD):p.(Gln1798Lys). The glutamine at this position has high conservation (100 vertebrates, UCSC), and is located within the CAD CHOase domain. In silico software predictions of the pathogenicity of this variant are conflicting (Polyphen, SIFT, CADD, Mutation Taster). The variant is present in the gnomAD population database at a global frequency of 0.051% (143 heterozygotes, 0 homozygotes), with a European sub-frequency of 0.088%. The variant has previously been reported as a VUS in clinical cases (ClinVar). Based on information available at the time of curation, this variant has been classified as a VARIANT of UNCERTAIN SIGNIFICANCE (VUS). Legend: (P) - Pathogenic, (N) - Neutral, (B) - Benign

CeGaT Center for Human Genetics Tuebingen
Classification: Uncertain significance. Last evaluated: 2018-04-01. Review status: criteria provided, single submitter. Criteria: CeGaT Center For Human Genetics Tuebingen Variant Classification Criteria Version 2. Collection method: clinical testing. Allele origin: germline. Affected: yes. Observed: 1 variant allele.

Eurofins Ntd Llc (ga)
Classification: Uncertain significance. Last evaluated: 2017-08-29. Review status: criteria provided, single submitter. Criteria: EGL Classification Definitions 2015. Collection method: clinical testing. Allele origin: germline. Observed: 1 variant allele, 1 heterozygote.